The following is an entry in ClinVar:

NM_001197104.2(KMT2A):c.2917A>C (p.Asn973His)

Gene: KMT2A (lysine methyltransferase 2A; plus strand). Cytogenetic location: 11q23.3.
Variant type: single nucleotide variant.
Coding change: c.2917A>C on transcript NM_001197104.2 (MANE Select); coding-DNA position 2917, A replaced by C.
Protein change: p.Asn973His; replaces asparagine 973 with histidine.
Molecular consequence: missense variant.
Genome position (GRCh38, 1-based): chr11:118,474,076, A>C. VCF-style: chr11-118474076-A-C. GRCh37 (hg19) VCF-style: chr11-118344791-A-C.
Other names: c.3016A>C, p.Asn1006His (NM_001412597.1); c.2917A>C, p.Asn973His (NM_005933.4); short protein forms N1006H, N973H.
Identifiers: ClinVar variation 2712132 (VCV002712132.3), dbSNP rs2496816802, ClinGen allele CA382818785.

ClinVar aggregate classification (germline): Uncertain significance (1 of 4 stars; one submission).

Submission:

Labcorp Genetics (formerly Invitae), Labcorp
Classification: Uncertain significance. Last evaluated: 2024-01-29. Review status: criteria provided, single submitter. Criteria: Invitae Variant Classification Sherloc (09022015). Collection method: clinical testing. Allele origin: germline.
Comment: This sequence change replaces asparagine, which is neutral and polar, with histidine, which is basic and polar, at codon 973 of the KMT2A protein (p.Asn973His). This variant is not present in population databases (gnomAD no frequency). This variant has not been reported in the literature in individuals affected with KMT2A-related conditions. Advanced modeling of protein sequence and biophysical properties (such as structural, functional, and spatial information, amino acid conservation, physicochemical variation, residue mobility, and thermodynamic stability) performed at Invitae indicates that this missense variant is not expected to disrupt KMT2A protein function with a negative predictive value of 95%. In summary, the available evidence is currently insufficient to determine the role of this variant in disease. Therefore, it has been classified as a Variant of Uncertain Significance.